The following is an entry in ClinVar:

ClinVar aggregate classification (germline): Likely benign (1 of 4 stars; one submission).

gnomAD v4.1: 74 of 1,613,294 alleles (0.0046%); highest among the groups gnomAD compares: Admixed American, 0.062%; no homozygotes.

Submission:

CeGaT Center for Human Genetics Tuebingen
Classification: Likely benign. Last evaluated: 2026-01-01. Review status: criteria provided, single submitter. Criteria: CeGaT Center For Human Genetics Tuebingen Variant Classification Criteria Version 2. Collection method: clinical testing. Allele origin: germline. Affected: yes. Observed: 1 variant allele.
Comment: SLA: BP4, BP7

NM_001045556.3(SLA):c.84C>T (p.Ala28=)

Genes: SLA (Src like adaptor; minus strand), TG (thyroglobulin; plus strand). Cytogenetic location: 8q24.22.
Variant type: single nucleotide variant.
Coding change: c.84C>T on transcript NM_001045556.3 (MANE Select); coding-DNA position 84, C replaced by T.
Protein change: p.Ala28=; no amino-acid change (alanine 28 retained).
Molecular consequence: synonymous variant. On other transcripts: 5 prime UTR variant (1), intron variant (1).
Genome position (GRCh38, 1-based): chr8:133,050,893, G>A on the plus strand (C>T on the coding strand, the complement: SLA is on the minus strand). VCF-style: chr8-133050893-G-A. GRCh37 (hg19) VCF-style: chr8-134063138-G-A.
Other names: c.135C>T, p.Ala45= (NM_001045557.3, NM_001282964.2); c.-241C>T (NM_001282965.2); c.204C>T, p.Ala68= (NM_006748.4); c.7239+20870G>A (NM_003235.5).
Identifiers: ClinVar variation 4821876 (VCV004821876.4).